The following is an entry in ClinVar:

NM_001379270.1(CNGA1):c.1722del (p.Asp575fs)

Genes: CNGA1 (cyclic nucleotide gated channel subunit alpha 1; minus strand), LOC101927157 (uncharacterized LOC101927157; plus strand). Cytogenetic location: 4p12.
Variant type: Deletion.
Coding change: c.1722del on transcript NM_001379270.1 (MANE Select); coding-DNA position 1722, one base deleted (A; older notation c.1722delA).
Protein change: p.Asp575fs; shifts the reading frame from aspartic acid 575.
Molecular consequence: frameshift variant.
Genome position (GRCh38, 1-based): chr4:47,936,760, T deleted on the plus strand (A on the coding strand, the reverse complement: CNGA1 is on the minus strand); the first of 4 consecutive T bases (chr4:47,936,760-47,936,763); deleting any one gives the same sequence. VCF-style (leftmost placement, unchanged base first): chr4-47936759-CT-C. GRCh37 (hg19) VCF-style: chr4-47938776-CT-C.
Other names: c.1722del, p.Asp575fs (NM_000087.5, NM_001142564.2); short protein forms D575fs.
Identifiers: ClinVar variation 1451495 (VCV001451495.7), dbSNP rs1443039086, ClinGen allele CA551650444.

ClinVar aggregate classification (germline): Pathogenic/Likely pathogenic. Review status: criteria provided, multiple submitters, no conflicts (2 of 4 stars). 3 submissions from 3 submitters: Pathogenic (1); Likely pathogenic (2). Last evaluated 2025-12-22.

Conditions:
Retinitis pigmentosa 49 (RP49). Identifiers: Orphanet 791, MedGen C3151059, MONDO:0013405, OMIM 613756.

Submissions (3):

Variantyx, Inc.
Classification: Likely pathogenic for Retinitis pigmentosa 49. Last evaluated: 2025-12-22. Review status: criteria provided, single submitter. Criteria: Variantyx Assertion Criteria 2022. Collection method: clinical testing. Allele origin: germline. Inheritance: Autosomal recessive inheritance.
Comment: This is a frameshift variant in the CNGA1 gene (OMIM: 123825). Pathogenic variants in this gene have been associated with autosomal recessive retinitis pigmentosa 49. This variant introduces a premature termination codon in exon 11 out of 11 and is expected to result in loss of function, which is a known disease mechanism for CNGA1 in this disorder (PMID: 24154662) (PVS1). This variant has a 0.0050% maximum allele frequency in non-founder control populations (PM2). Based on the current evidence, this variant is classified as likely pathogenic for autosomal recessive retinitis pigmentosa 49.

Fulgent Genetics
Classification: Likely pathogenic for Retinitis pigmentosa 49. Last evaluated: 2024-01-29. Review status: criteria provided, single submitter. Criteria: ACMG Guidelines, 2015. Collection method: clinical testing. Allele origin: germline.

Labcorp Genetics (formerly Invitae), Labcorp
Classification: Pathogenic. Last evaluated: 2022-07-19. Review status: criteria provided, single submitter. Criteria: Invitae Variant Classification Sherloc (09022015). Collection method: clinical testing. Allele origin: germline.
Comment: This premature translational stop signal has been observed in individual(s) with inherited retinal dystrophy (PMID: 30902645). This variant is present in population databases (no rsID available, gnomAD 0.003%). This sequence change creates a premature translational stop signal (p.Asp579Metfs*7) in the CNGA1 gene. While this is not anticipated to result in nonsense mediated decay, it is expected to disrupt the last 112 amino acid(s) of the CNGA1 protein. ClinVar contains an entry for this variant (Variation ID: 1451495). For these reasons, this variant has been classified as Pathogenic. This variant disrupts a region of the CNGA1 protein in which other variant(s) (p.Arg629*) have been determined to be pathogenic (PMID: 24154662; Invitae). This suggests that this is a clinically significant region of the protein, and that variants that disrupt it are likely to be disease-causing.

Literature cited by the submitters: PubMed 24154662 (cited by Variantyx, Inc. and Labcorp Genetics (formerly Invitae), Labcorp); PubMed 30902645 (cited by Labcorp Genetics (formerly Invitae), Labcorp).